The following is an entry in ClinVar:

NM_002911.4(UPF1):c.1276G>A (p.Ala426Thr)

Gene: UPF1 (UPF1 RNA helicase and ATPase; plus strand). Cytogenetic location: 19p13.11.
Variant type: single nucleotide variant.
Coding change: c.1276G>A on transcript NM_002911.4 (MANE Select); coding-DNA position 1276, G replaced by A.
Protein change: p.Ala426Thr; replaces alanine 426 with threonine.
Molecular consequence: missense variant.
Genome position (GRCh38, 1-based): chr19:18,854,889, G>A. VCF-style: chr19-18854889-G-A. GRCh37 (hg19) VCF-style: chr19-18965698-G-A.
Other names: c.1309G>A, p.Ala437Thr (NM_001297549.2); short protein forms A426T, A437T.
Identifiers: ClinVar variation 4602275 (VCV004602275.1).

ClinVar aggregate classification (germline): Uncertain significance (1 of 4 stars; one submission).

gnomAD v4.1: 14 of 1,614,042 alleles (0.00087%); highest among the groups gnomAD compares: African/African-American, 0.0013%; no homozygotes.

Submission:

Ambry Genetics
Classification: Uncertain significance. Last evaluated: 2025-10-07. Review status: criteria provided, single submitter. Criteria: Ambry Variant Classification Scheme 2023. Collection method: clinical testing. Allele origin: germline.
Comment: The c.1276G>A (p.A426T) alteration is located in exon 10 (coding exon 10) of the UPF1 gene. This alteration results from a G to A substitution at nucleotide position 1276, causing the alanine (A) at amino acid position 426 to be replaced by a threonine (T). Based on data from gnomAD, the A allele has an overall frequency of <0.001% (0/251068) total alleles studied. The highest observed frequency was <0.001% (/) of alleles. Based on insufficient or conflicting evidence, the clinical significance of this alteration remains unclear.